The following is an entry in ClinVar:

NM_001190274.2(FBXO11):c.2654+19T>C

Genes: FBXO11 (F-box protein 11; minus strand), MSH6 (mutS homolog 6; plus strand). Cytogenetic location: 2p16.3.
Variant type: single nucleotide variant.
Coding change: c.2654+19T>C on transcript NM_001190274.2 (MANE Select); 19 bases into the intron after coding-DNA position 2654, T replaced by C.
Molecular consequence: intron variant.
Genome position (GRCh38, 1-based): chr2:47,808,310, A>G on the plus strand (T>C on the coding strand, the complement: FBXO11 is on the minus strand). VCF-style: chr2-47808310-A-G. GRCh37 (hg19) VCF-style: chr2-48035449-A-G.
Other names: c.*43+1407A>G (NM_001406809.1); c.*40+1410A>G (NM_001406796.1, NM_001406811.1, NM_001406805.1 and 2 more transcripts); c.2402+19T>C (NM_001374325.1, NM_025133.4).
Identifiers: ClinVar variation 3772355 (VCV003772355.13).

ClinVar aggregate classification (germline): Likely benign (1 of 4 stars; one submission).

gnomAD v4.1: 1 of 1,612,398 alleles (0.000062%); highest among the groups gnomAD compares: South Asian, 0.0011%; no homozygotes.

Submission:

CeGaT Center for Human Genetics Tuebingen
Classification: Likely benign. Last evaluated: 2025-02-01. Review status: criteria provided, single submitter. Criteria: CeGaT Center For Human Genetics Tuebingen Variant Classification Criteria Version 2. Collection method: clinical testing. Allele origin: germline. Affected: yes. Observed: 1 variant allele.
Comment: FBXO11: BP4, BP7